The following is an entry in ClinVar:

NM_032119.4(ADGRV1):c.3095T>A (p.Val1032Glu)

Gene: ADGRV1 (adhesion G protein-coupled receptor V1; plus strand). Cytogenetic location: 5q14.3.
Variant type: single nucleotide variant.
Coding change: c.3095T>A on transcript NM_032119.4 (MANE Select); coding-DNA position 3095, T replaced by A.
Protein change: p.Val1032Glu; replaces valine 1032 with glutamic acid.
Molecular consequence: missense variant. On other transcripts: non-coding transcript variant (1).
Genome position (GRCh38, 1-based): chr5:90,647,570, T>A. VCF-style: chr5-90647570-T-A. GRCh37 (hg19) VCF-style: chr5-89943387-T-A.
Other names: short protein forms V1032E.
Identifiers: ClinVar variation 1462079 (VCV001462079.3), dbSNP rs1225203306, ClinGen allele CA360393237.
Genomic context (GRCh38, chr5:90,647,570, plus strand): 5'-TGAGGGTTCAGGAAGGTGAGACTGCCAACTTTACAGTTCTCAGAAATGGATCTGTTGATG[T>A]GACTTGCATGGTCCAGTATGCTACCAAGGATGGGAAGGCTACTGCAAGAGAGAGAGATTT-3'
Protein context (NP_115495.3, residues 1022-1042): FTVLRNGSVD[Val1032Glu]TCMVQYATKD

ClinVar aggregate classification (germline): Uncertain significance (1 of 4 stars; one submission).

Allele frequency attached by ClinVar (database versions not stated): gnomAD exomes 0.00001 and 0.00002.
gnomAD v4.1: 22 of 1,613,888 alleles (0.0014%); highest among the groups gnomAD compares: Non-Finnish European, 0.0019%; no homozygotes.

Submission:

Labcorp Genetics (formerly Invitae), Labcorp
Classification: Uncertain significance. Last evaluated: 2021-09-23. Review status: criteria provided, single submitter. Criteria: Invitae Variant Classification Sherloc (09022015). Collection method: clinical testing. Allele origin: germline.
Comment: This sequence change replaces valine with glutamic acid at codon 1032 of the ADGRV1 protein (p.Val1032Glu). The valine residue is weakly conserved and there is a moderate physicochemical difference between valine and glutamic acid. This variant is not present in population databases (ExAC no frequency). This variant has not been reported in the literature in individuals affected with ADGRV1-related conditions. Algorithms developed to predict the effect of missense changes on protein structure and function (SIFT, PolyPhen-2, Align-GVGD) all suggest that this variant is likely to be tolerated. In summary, the available evidence is currently insufficient to determine the role of this variant in disease. Therefore, it has been classified as a Variant of Uncertain Significance.